The following is an entry in ClinVar:

NM_013296.5(GPSM2):c.753A>G (p.Ala251=)

Gene: GPSM2 (G protein signaling modulator 2; plus strand). Cytogenetic location: 1p13.3.
Variant type: single nucleotide variant.
Coding change: c.753A>G on transcript NM_013296.5 (MANE Select); coding-DNA position 753, A replaced by G.
Protein change: p.Ala251=; no amino-acid change (alanine 251 retained).
Molecular consequence: synonymous variant.
Genome position (GRCh38, 1-based): chr1:108,898,950, A>G. VCF-style: chr1-108898950-A-G. GRCh37 (hg19) VCF-style: chr1-109441572-A-G.
Other names: c.753A>G, p.Ala251= (NM_001321038.2, NM_001321039.3).
Identifiers: ClinVar variation 45570 (VCV000045570.19), dbSNP rs12069435, ClinGen allele CA136672.
Genomic context (GRCh38, chr1:108,898,950, plus strand): 5'-TGCAAAAGAATTTGGAGATAAAGCAGCTGAAAGAAGAGCATATAGCAACCTTGGAAATGC[A>G]TATATATTTCTTGGTGAATTTGAAACTGCCTCGGAATACTACAAGTTAGTCTAATATTTC-3'
Protein context (NP_037428.3, residues 241-261): ERRAYSNLGN[Ala251=]YIFLGEFETA

ClinVar aggregate classification (germline): Benign/Likely benign. Review status: criteria provided, multiple submitters, no conflicts (2 of 4 stars). 6 submissions from 6 submitters: Benign (4); Likely benign (2). Last evaluated 2026-02-01.

Conditions:
Chudley-McCullough syndrome (CMCS). Also called: DEAFNESS, SENSORINEURAL, WITH PARTIAL AGENESIS OF THE CORPUS CALLOSUM AND ARACHNOID CYSTS; Deafness, autosomal recessive 82. Identifiers: Orphanet 314597, MedGen C1858695, MONDO:0011411, OMIM 604213.

Allele frequency attached by ClinVar (database versions not stated): gnomAD exomes 0.00286 and 0.00799; ExAC 0.00956; gnomAD 0.02945 and 0.03167; TOPMed 0.03316; ESP Exome Variant Server 0.03430; 1000 Genomes Project 0.03494; 1000 Genomes Project 30x 0.03576.
gnomAD v4.1: 8,803 of 1,611,430 alleles (0.55%); highest among the groups gnomAD compares: African/African-American, 10%; 408 homozygotes.

Submissions (6):

Labcorp Genetics (formerly Invitae), Labcorp
Classification: Benign. Last evaluated: 2026-02-01. Review status: criteria provided, single submitter. Criteria: Invitae Variant Classification Sherloc (09022015). Collection method: clinical testing. Allele origin: germline.

Athena Diagnostics
Classification: Benign. Last evaluated: 2018-05-24. Review status: criteria provided, single submitter. Criteria: Athena Diagnostics Criteria. Collection method: clinical testing. Allele origin: germline.

Illumina Laboratory Services, Illumina
Classification: Likely benign for Chudley-McCullough syndrome. Last evaluated: 2018-01-13. Review status: criteria provided, single submitter. Criteria: ICSL Variant Classification Criteria 13 December 2019. Collection method: clinical testing. Allele origin: germline.
Comment: This variant was observed in the ICSL laboratory as part of a predisposition screen in an ostensibly healthy population. It had not been previously curated by ICSL or reported in the Human Gene Mutation Database (HGMD: prior to June 1st, 2018), and was therefore a candidate for classification through an automated scoring system. Utilizing variant allele frequency, disease prevalence and penetrance estimates, and inheritance mode, an automated score was calculated to assess if this variant is too frequent to cause the disease. Based on the score and internal cut-off values, a variant classified as likely benign is not then subjected to further curation. The score for this variant resulted in a classification of likely benign for this disease.

GeneDx
Classification: Benign. Last evaluated: 2016-03-14. Review status: criteria provided, single submitter. Criteria: GeneDx Variant Classification (06012015). Collection method: clinical testing. Allele origin: germline. Affected: yes.
Comment: This variant is considered likely benign or benign based on one or more of the following criteria: it is a conservative change, it occurs at a poorly conserved position in the protein, it is predicted to be benign by multiple in silico algorithms, and/or has population frequency not consistent with disease.

Laboratory for Molecular Medicine, Mass General Brigham Personalized Medicine
Classification: Benign. Last evaluated: 2012-05-07. Review status: criteria provided, single submitter. Criteria: LMM Criteria. Collection method: clinical testing. Allele origin: germline. Observed: 31 variant alleles.
Comment: "Ala251Ala in Exon 07 of GPSM2: This variant is not expected to have clinical si gnificance because it does not alter an amino acid residue, is not located withi n the splice consensus sequence, and has been identified in 10.3% (383/3736) of African American chromosomes from a broad population by the NHLBI Exome Sequenci ng Project (dbSNP rs12069435)."

Breakthrough Genomics
Classification: Likely benign. Review status: criteria provided, single submitter. Criteria: ACMG Guidelines, 2015. Collection method: not provided. Allele origin: germline. Inheritance: Autosomal recessive inheritance. Affected: yes.